The following is an entry in ClinVar:

ClinVar aggregate classification (germline): Pathogenic/Likely pathogenic. Review status: criteria provided, multiple submitters, no conflicts (2 of 4 stars). 7 submissions from 7 submitters: Pathogenic (4); Likely pathogenic (1). 2 of the submissions do not count toward it. Last evaluated 2024-07-19.

Conditions:
Amyotrophic lateral sclerosis type 10 (ALS10). Also called: TARDBP-Related Amyotrophic Lateral Sclerosis-Frontotemporal Dementia; AMYOTROPHIC LATERAL SCLEROSIS 10 WITHOUT FRONTOTEMPORAL DEMENTIA AND WITH TDP43 INCLUSIONS; AMYOTROPHIC LATERAL SCLEROSIS 10 WITH OR WITHOUT FRONTOTEMPORAL DEMENTIA AND WITH TDP43 INCLUSIONS; Amyotrophic lateral sclerosis 10, with or without FTD; AMYOTROPHIC LATERAL SCLEROSIS 10 WITH OR WITHOUT FRONTOTEMPORAL DEMENTIA. Identifiers: Orphanet 275872, Orphanet 803, MedGen C2677565, MONDO:0012790, OMIM 612069.
FRONTOTEMPORAL LOBAR DEGENERATION WITH TDP43 INCLUSIONS, TARDBP-RELATED. Also called: Frontotemporal lobar degeneration, TARDBP-related. Identifiers: MedGen C3150169, OMIM 612069.

Submissions (7):

Labcorp Genetics (formerly Invitae), Labcorp
Classification: Pathogenic for Amyotrophic lateral sclerosis type 10; FRONTOTEMPORAL LOBAR DEGENERATION WITH TDP43 INCLUSIONS, TARDBP-RELATED. Last evaluated: 2024-07-19. Review status: criteria provided, single submitter. Criteria: Invitae Variant Classification Sherloc (09022015). Collection method: clinical testing. Allele origin: germline.
Comment: This sequence change replaces glycine, which is neutral and non-polar, with cysteine, which is neutral and slightly polar, at codon 348 of the TARDBP protein (p.Gly348Cys). This variant is not present in population databases (gnomAD no frequency). This missense change has been observed in individuals with amyotrophic lateral sclerosis (PMID: 18372902, 18779421, 19236453, 29621978, 30553531). ClinVar contains an entry for this variant (Variation ID: 5234). An algorithm developed to predict the effect of missense changes on protein structure and function (PolyPhen-2) suggests that this variant is likely to be disruptive. Experimental studies have shown that this missense change affects TARDBP function (PMID: 19959528, 21173160, 21752789, 22406069). For these reasons, this variant has been classified as Pathogenic.

Kariminejad - Najmabadi Pathology & Genetics Center
Classification: Pathogenic for Amyotrophic lateral sclerosis type 10. Last evaluated: 2024-05-21. Review status: criteria provided, single submitter. Criteria: ACMG Guidelines, 2015. Collection method: clinical testing. Allele origin: germline. Inheritance: Autosomal dominant inheritance. Affected: yes.
Comment: PM2_Moderate,PS3_Supporting,PP2_Supporting,PM5_Moderate,PP3_Moderate

CeGaT Center for Human Genetics Tuebingen
Classification: Pathogenic. Last evaluated: 2021-10-01. Review status: criteria provided, single submitter. Criteria: CeGaT Center For Human Genetics Tuebingen Variant Classification Criteria Version 2. Collection method: clinical testing. Allele origin: germline. Affected: yes. Observed: 2 variant alleles.

Suna and Inan Kirac Foundation Neurodegeneration Research Laboratory, Koc University
Classification: Likely pathogenic for Amyotrophic lateral sclerosis type 10. Last evaluated: 2020-03-31. Review status: criteria provided, single submitter. Criteria: ACMG Guidelines, 2015. Collection method: research. Allele origin: germline. Affected: yes. Observed: 3 variant alleles.

Athena Diagnostics
Classification: Pathogenic. Last evaluated: 2016-05-19. Review status: criteria provided, single submitter. Criteria: Athena Diagnostics Criteria. Collection method: clinical testing. Allele origin: germline.

OMIM
Classification: Pathogenic for AMYOTROPHIC LATERAL SCLEROSIS 10 WITHOUT FRONTOTEMPORAL DEMENTIA AND WITH TDP43 INCLUSIONS. Last evaluated: 2008-09-01. Review status: no assertion criteria provided. Collection method: literature only. Allele origin: germline. Not counted in ClinVar's aggregate classification.

GeneReviews
No classification provided. Condition: Amyotrophic lateral sclerosis type 10. Review status: no classification provided. Collection method: literature only. Allele origin: germline. Affected: yes. Not counted in ClinVar's aggregate classification.
Comment: Identified in both FALS and SALS.

Literature cited by the submitters: PubMed 18372902 (cited by 3 submitters); PubMed 18779421 (cited by 3 submitters); PubMed 19236453 (cited by Labcorp Genetics (formerly Invitae), Labcorp and Athena Diagnostics); PubMed 29621978 (cited by Labcorp Genetics (formerly Invitae), Labcorp); PubMed 30553531 (cited by Labcorp Genetics (formerly Invitae), Labcorp); PubMed 19959528 (cited by Labcorp Genetics (formerly Invitae), Labcorp and Athena Diagnostics); PubMed 21173160 (cited by Labcorp Genetics (formerly Invitae), Labcorp and Athena Diagnostics); PubMed 21752789 (cited by Labcorp Genetics (formerly Invitae), Labcorp and Athena Diagnostics); PubMed 22406069 (cited by Labcorp Genetics (formerly Invitae), Labcorp and Athena Diagnostics); PubMed 23345247 (cited by Athena Diagnostics); PubMed 19429692 (cited by Athena Diagnostics); PubMed 20806063 (cited by Athena Diagnostics); PubMed 23235148 (cited by Athena Diagnostics); PubMed 18931000 (cited by Athena Diagnostics); PubMed 20577002 (cited by Athena Diagnostics); PubMed 20031275 (cited by Athena Diagnostics); PubMed 21829392 (cited by Athena Diagnostics); PubMed 22563080 (cited by Athena Diagnostics); PubMed 23457265 (cited by Athena Diagnostics); PubMed 21403029 (cited by Athena Diagnostics); NCBI Bookshelf NBK5942 (cited by GeneReviews).

NM_007375.4(TARDBP):c.1042G>T (p.Gly348Cys)

Gene: TARDBP (TAR DNA binding protein; plus strand). Cytogenetic location: 1p36.22.
Variant type: single nucleotide variant.
Coding change: c.1042G>T on transcript NM_007375.4 (MANE Select); coding-DNA position 1042, G replaced by T.
Protein change: p.Gly348Cys; replaces glycine 348 with cysteine.
Molecular consequence: missense variant.
Genome position (GRCh38, 1-based): chr1:11,022,451, G>T. VCF-style: chr1-11022451-G-T. GRCh37 (hg19) VCF-style: chr1-11082508-G-T.
Other names: G348C.
Identifiers: ClinVar variation 5234 (VCV000005234.49), dbSNP rs80356733, ClinGen allele CA340379.